The following is an entry in ClinVar:

ClinVar aggregate classification (germline): Uncertain significance (1 of 4 stars; one submission).

Allele frequency attached by ClinVar (database versions not stated): gnomAD exomes below 0.00001; gnomAD 0.00001; TOPMed 0.00002.
gnomAD v4.1: 7 of 1,614,008 alleles (0.00043%); highest among the groups gnomAD compares: African/African-American, 0.008%; no homozygotes.

Submission:

Labcorp Genetics (formerly Invitae), Labcorp
Classification: Uncertain significance. Last evaluated: 2023-07-10. Review status: criteria provided, single submitter. Criteria: Invitae Variant Classification Sherloc (09022015). Collection method: clinical testing. Allele origin: germline.
Comment: In summary, the available evidence is currently insufficient to determine the role of this variant in disease. Therefore, it has been classified as a Variant of Uncertain Significance. Algorithms developed to predict the effect of missense changes on protein structure and function output the following: SIFT: "Not Available"; PolyPhen-2: "Benign"; Align-GVGD: "Not Available". The glutamic acid amino acid residue is found in multiple mammalian species, which suggests that this missense change does not adversely affect protein function. ClinVar contains an entry for this variant (Variation ID: 963366). This variant has not been reported in the literature in individuals affected with CEP250-related conditions. This variant is present in population databases (no rsID available, gnomAD 0.007%). This sequence change replaces glycine, which is neutral and non-polar, with glutamic acid, which is acidic and polar, at codon 1713 of the CEP250 protein (p.Gly1713Glu).

NM_007186.6(CEP250):c.5138G>A (p.Gly1713Glu)

Gene: CEP250 (centrosomal protein 250; plus strand). Cytogenetic location: 20q11.22.
Variant type: single nucleotide variant.
Coding change: c.5138G>A on transcript NM_007186.6 (MANE Select); coding-DNA position 5138, G replaced by A.
Protein change: p.Gly1713Glu; replaces glycine 1713 with glutamic acid.
Molecular consequence: missense variant.
Genome position (GRCh38, 1-based): chr20:35,503,507, G>A. VCF-style: chr20-35503507-G-A. GRCh37 (hg19) VCF-style: chr20-34091335-G-A.
Other names: c.3242G>A, p.Gly1081Glu (NM_001318219.1); short protein forms G1081E, G1713E.
Identifiers: ClinVar variation 963366 (VCV000963366.7), dbSNP rs1041668197, ClinGen allele CA314160584.
Genomic context (GRCh38, chr20:35,503,507, plus strand): 5'-GAGAGCGAGGCCGGGAGCTGACCACTCAGAGGCAGCTGATGCAGGAACGGGCAGAGGAAG[G>A]GAAGGGCCCAAGTAAAGCACAGCGCGGGAGCCTAGAGCACATGAAGCTGATCCTGCGTGA-3'
Protein context (NP_009117.2, residues 1703-1723): RQLMQERAEE[Gly1713Glu]KGPSKAQRGS